The following is an entry in ClinVar:

NM_001453.3(FOXC1):c.556A>G (p.Lys186Glu)

Gene: FOXC1 (forkhead box C1; plus strand). Cytogenetic location: 6p25.3.
Variant type: single nucleotide variant.
Coding change: c.556A>G on transcript NM_001453.3 (MANE Select); coding-DNA position 556, A replaced by G.
Protein change: p.Lys186Glu; replaces lysine 186 with glutamic acid.
Molecular consequence: missense variant.
Genome position (GRCh38, 1-based): chr6:1,611,001, A>G. VCF-style: chr6-1611001-A-G. GRCh37 (hg19) VCF-style: chr6-1611236-A-G.
Other names: c.556A>G (NM_001453.2); short protein forms K186E.
Identifiers: ClinVar variation 2181033 (VCV002181033.5), dbSNP rs927531711, ClinGen allele CA133390179.

ClinVar aggregate classification (germline): Uncertain significance. Review status: criteria provided, multiple submitters, no conflicts (2 of 4 stars). 2 submissions from 2 submitters: Uncertain significance (2). Last evaluated 2025-09-02.

Conditions:
Inborn genetic diseases. Identifiers: MedGen C0950123, MeSH D030342.
Axenfeld-Rieger syndrome type 3 (RIEG3). Also called: AXENFELD-RIEGER ANOMALY WITH CARDIAC DEFECTS AND/OR SENSORINEURAL HEARING LOSS. Identifiers: Orphanet 782, MedGen C2678503, MONDO:0011233, OMIM 602482.

Allele frequency attached by ClinVar (database versions not stated): gnomAD exomes 0.00001; TOPMed 0.00002; gnomAD 0.00001.
gnomAD v4.1: 7 of 1,610,194 alleles (0.00043%); highest among the groups gnomAD compares: East Asian, 0.0022%; no homozygotes.

Submissions (2):

Labcorp Genetics (formerly Invitae), Labcorp
Classification: Uncertain significance for Axenfeld-Rieger syndrome type 3. Last evaluated: 2025-09-02. Review status: criteria provided, single submitter. Criteria: Invitae Variant Classification Sherloc (09022015). Collection method: clinical testing. Allele origin: germline.
Comment: This sequence change replaces lysine, which is basic and polar, with glutamic acid, which is acidic and polar, at codon 186 of the FOXC1 protein (p.Lys186Glu). This variant is present in population databases (no rsID available, gnomAD 0.006%). This variant has not been reported in the literature in individuals affected with FOXC1-related conditions. ClinVar contains an entry for this variant (Variation ID: 2181033). An algorithm developed to predict the effect of missense changes on protein structure and function (PolyPhen-2) suggests that this variant is likely to be tolerated. In summary, the available evidence is currently insufficient to determine the role of this variant in disease. Therefore, it has been classified as a Variant of Uncertain Significance.

Ambry Genetics
Classification: Uncertain significance for Inborn genetic diseases. Last evaluated: 2025-04-25. Review status: criteria provided, single submitter. Criteria: Ambry Variant Classification Scheme 2023. Collection method: clinical testing. Allele origin: germline.